The following is an entry in ClinVar:

ClinVar aggregate classification (germline): Uncertain significance. Review status: criteria provided, multiple submitters, no conflicts (2 of 4 stars). 2 submissions from 2 submitters: Uncertain significance (2). Last evaluated 2024-07-08.

Submissions (2):

Labcorp Genetics (formerly Invitae), Labcorp
Classification: Uncertain significance. Last evaluated: 2024-07-08. Review status: criteria provided, single submitter. Criteria: Invitae Variant Classification Sherloc (09022015). Collection method: clinical testing. Allele origin: germline.
Comment: This sequence change affects an acceptor splice site in intron 11 of the IDH3B gene. While this variant is not anticipated to result in nonsense mediated decay, it likely alters RNA splicing and results in a disrupted protein product. This variant is not present in population databases (gnomAD no frequency). This variant has not been reported in the literature in individuals affected with IDH3B-related conditions. ClinVar contains an entry for this variant (Variation ID: 1025117). Variants that disrupt the consensus splice site are a relatively common cause of aberrant splicing (PMID: 17576681, 9536098). Algorithms developed to predict the effect of sequence changes on RNA splicing suggest that this variant may disrupt the consensus splice site. In summary, the available evidence is currently insufficient to determine the role of this variant in disease. Therefore, it has been classified as a Variant of Uncertain Significance.

Blueprint Genetics
Classification: Uncertain significance. Last evaluated: 2021-07-20. Review status: criteria provided, single submitter. Criteria: ACMG Guidelines, 2015. Collection method: clinical testing. Allele origin: germline.

Literature cited by the submitters: PubMed 17576681 (cited by Labcorp Genetics (formerly Invitae), Labcorp); PubMed 9536098 (cited by Labcorp Genetics (formerly Invitae), Labcorp).

NM_006899.5(IDH3B):c.1072-1G>A

Gene: IDH3B (isocitrate dehydrogenase (NAD(+)) 3 non-catalytic subunit beta; minus strand). Cytogenetic location: 20p13.
Variant type: single nucleotide variant.
Coding change: c.1072-1G>A on transcript NM_006899.5 (MANE Select); the canonical splice acceptor site of the intron before coding-DNA position 1072, G replaced by A.
Molecular consequence: splice acceptor variant. On other transcripts: intron variant (1).
Genome position (GRCh38, 1-based): chr20:2,658,838, C>T on the plus strand (G>A on the coding strand, the complement: IDH3B is on the minus strand). VCF-style: chr20-2658838-C-T. GRCh37 (hg19) VCF-style: chr20-2639484-C-T.
Other names: c.1072-316G>A (NM_174855.4); c.1072-1G>A (NM_001330763.2).
Identifiers: ClinVar variation 1025117 (VCV001025117.8), dbSNP rs6107092, ClinGen allele CA310878753.